The following continues an entry in ClinVar:

NM_001267550.2(TTN):c.51809G>T (p.Ser17270Ile)

ClinVar aggregate classification (germline): Conflicting classifications of pathogenicity. Uncertain significance (7); Benign (3); Likely benign (8).

Submissions 16 to 23 of 23:

Illumina Laboratory Services, Illumina
Classification: Uncertain significance for Early-onset myopathy with fatal cardiomyopathy. Last evaluated: 2018-01-12. Review status: criteria provided, single submitter. Criteria: ICSL Variant Classification Criteria 13 December 2019. Collection method: clinical testing. Allele origin: germline.

Labcorp Genetics (formerly Invitae), Labcorp
Classification: Uncertain significance for Dilated cardiomyopathy 1G; Autosomal recessive limb-girdle muscular dystrophy type 2J. Last evaluated: 2017-12-21. Review status: criteria provided, single submitter. Criteria: Invitae Variant Classification Sherloc (09022015). Collection method: clinical testing. Allele origin: germline.

Laboratory for Molecular Medicine, Mass General Brigham Personalized Medicine
Classification: Likely benign. Last evaluated: 2014-05-01. Review status: criteria provided, single submitter. Criteria: LMM Criteria. Collection method: clinical testing. Allele origin: germline. Observed: 2 variant alleles.
Comment: Ser14702Ile in exon 222 of TTN: This variant is not expected to have clinical si gnificance due to a lack of conservation across species, including mammals. Of n ote, multiple mammals have an isoleucine (Ile) at this position despite high nea rby amino acid conservation. In addition, computational prediction tools do not suggest a high likelihood of impact to the protein. It has been identified in 7/ 8240 European American chromosomes by the NHLBI Exome Sequencing Project (dbSNP rs200650668).

Clinical Genetics DNA and cytogenetics Diagnostics Lab, Erasmus MC, Erasmus Medical Center
Classification: Likely benign. Review status: no assertion criteria provided. Collection method: clinical testing. Allele origin: germline. Affected: yes. Study: VKGL Data-share Consensus. Not counted in ClinVar's aggregate classification.

Clinical Genetics, Academic Medical Center
Classification: Likely benign. Review status: no assertion criteria provided. Collection method: clinical testing. Allele origin: germline. Affected: yes. Study: VKGL Data-share Consensus. Not counted in ClinVar's aggregate classification.

Diagnostic Laboratory, Department of Genetics, University Medical Center Groningen
Classification: Likely benign. Review status: no assertion criteria provided. Collection method: clinical testing. Allele origin: germline. Affected: yes. Study: VKGL Data-share Consensus. Not counted in ClinVar's aggregate classification.

Genome Diagnostics Laboratory, University Medical Center Utrecht
Classification: Likely benign. Review status: no assertion criteria provided. Collection method: clinical testing. Allele origin: germline. Affected: yes. Study: VKGL Data-share Consensus. Not counted in ClinVar's aggregate classification.

Joint Genome Diagnostic Labs from Nijmegen and Maastricht, Radboudumc and MUMC+
Classification: Benign. Review status: no assertion criteria provided. Collection method: clinical testing. Allele origin: germline. Affected: yes. Study: VKGL Data-share Consensus. Not counted in ClinVar's aggregate classification.

Literature cited by the submitters: PubMed 30609410 (cited by Mayo Clinic Laboratories, Mayo Clinic and Women's Health and Genetics/Laboratory Corporation of America, LabCorp); PubMed 28045975 (cited by Women's Health and Genetics/Laboratory Corporation of America, LabCorp).